The following is an entry in ClinVar:

NM_153460.4(IL17RC):c.226A>T (p.Lys76Ter)

Gene: IL17RC (interleukin 17 receptor C; plus strand). Cytogenetic location: 3p25.3.
Variant type: single nucleotide variant.
Coding change: c.226A>T on transcript NM_153460.4 (MANE Select); coding-DNA position 226, A replaced by T.
Protein change: p.Lys76Ter; replaces lysine 76 with a stop codon.
Molecular consequence: nonsense. On other transcripts: non-coding transcript variant (1).
Genome position (GRCh38, 1-based): chr3:9,918,021, A>T. VCF-style: chr3-9918021-A-T. GRCh37 (hg19) VCF-style: chr3-9959705-A-T.
Other names: c.226A>T, p.Lys76Ter (NM_001203263.2, NM_001203264.2, NM_001203265.2 and 5 more transcripts); c.439A>T, p.Lys147Ter (NM_153461.4); short protein forms K147*, K76*.
Identifiers: ClinVar variation 4724455 (VCV004724455.1).

ClinVar aggregate classification (germline): Uncertain significance (1 of 4 stars; one submission).

Conditions:
Candidiasis, familial, 9 (CANDF9). Identifiers: Orphanet 1334, MedGen C4225324, MONDO:0014642, OMIM 616445.

gnomAD v4.1: 1 of 1,612,196 alleles (0.000062%); highest among the groups gnomAD compares: South Asian, 0.0011%; no homozygotes.

Submission:

Labcorp Genetics (formerly Invitae), Labcorp
Classification: Uncertain significance for Candidiasis, familial, 9. Last evaluated: 2025-07-30. Review status: criteria provided, single submitter. Criteria: Invitae Variant Classification Sherloc (09022015). Collection method: clinical testing. Allele origin: germline.
Comment: This sequence change creates a premature translational stop signal (p.Lys147*) in the IL17RC gene. It is expected to result in an absent or disrupted protein product. However, the current clinical and genetic evidence is not sufficient to establish whether loss-of-function variants in IL17RC cause disease. This variant is not present in population databases (gnomAD no frequency). This variant has not been reported in the literature in individuals affected with IL17RC-related conditions. Algorithms developed to predict the effect of sequence changes on RNA splicing suggest that this variant may disrupt the consensus splice site. In summary, the available evidence is currently insufficient to determine the role of this variant in disease. Therefore, it has been classified as a Variant of Uncertain Significance.